The following is an entry in ClinVar:

NM_000051.4(ATM):c.5020T>C (p.Cys1674Arg)

Gene: ATM (ATM serine/threonine kinase; plus strand). Cytogenetic location: 11q22.3.
Variant type: single nucleotide variant.
Coding change: c.5020T>C on transcript NM_000051.4 (MANE Select); coding-DNA position 5020, T replaced by C.
Protein change: p.Cys1674Arg; replaces cysteine 1674 with arginine.
Molecular consequence: missense variant.
Genome position (GRCh38, 1-based): chr11:108,299,728, T>C. VCF-style: chr11-108299728-T-C. GRCh37 (hg19) VCF-style: chr11-108170455-T-C.
Other names: c.5020T>C, p.Cys1674Arg (NM_001351834.2); short protein forms C1674R.
Identifiers: ClinVar variation 490601 (VCV000490601.18), dbSNP rs1555104511, ClinGen allele CA382540139.

ClinVar aggregate classification (germline): Uncertain significance. Review status: criteria provided, multiple submitters, no conflicts (2 of 4 stars). 3 submissions from 3 submitters: Uncertain significance (3). Last evaluated 2024-11-07.

Conditions:
Hereditary cancer-predisposing syndrome. Also called: Tumor predisposition; Neoplastic Syndromes, Hereditary; Hereditary Cancer Syndrome; Hereditary neoplastic syndrome. Identifiers: Orphanet 140162, MedGen C0027672, MeSH D009386, MONDO:0015356.
Ataxia-telangiectasia syndrome (AT). Also called: Ataxia-telangiectasia; Ataxia-telangiectasia, complementation group D; AT, COMPLEMENTATION GROUP C; LOUIS-BAR SYNDROME; Cerebello-oculocutaneous telangiectasia; Immunodeficiency with ataxia telangiectasia. Identifiers: Orphanet 100, MedGen C0004135, MONDO:0008840, OMIM 208900.

Submissions (3):

Labcorp Genetics (formerly Invitae), Labcorp
Classification: Uncertain significance for Ataxia-telangiectasia syndrome. Last evaluated: 2024-11-07. Review status: criteria provided, single submitter. Criteria: Invitae Variant Classification Sherloc (09022015). Collection method: clinical testing. Allele origin: germline.
Comment: This sequence change replaces cysteine, which is neutral and slightly polar, with arginine, which is basic and polar, at codon 1674 of the ATM protein (p.Cys1674Arg). This variant is not present in population databases (gnomAD no frequency). This variant has not been reported in the literature in individuals affected with ATM-related conditions. ClinVar contains an entry for this variant (Variation ID: 490601). Invitae Evidence Modeling of protein sequence and biophysical properties (such as structural, functional, and spatial information, amino acid conservation, physicochemical variation, residue mobility, and thermodynamic stability) indicates that this missense variant is expected to disrupt ATM protein function with a positive predictive value of 95%. In summary, the available evidence is currently insufficient to determine the role of this variant in disease. Therefore, it has been classified as a Variant of Uncertain Significance.

Ambry Genetics
Classification: Uncertain significance for Hereditary cancer-predisposing syndrome. Last evaluated: 2023-11-08. Review status: criteria provided, single submitter. Criteria: Ambry Variant Classification Scheme 2023. Collection method: clinical testing. Allele origin: germline.
Comment: The p.C1674R variant (also known as c.5020T>C), located in coding exon 33 of the ATM gene, results from a T to C substitution at nucleotide position 5020. The cysteine at codon 1674 is replaced by arginine, an amino acid with highly dissimilar properties. This amino acid position is highly conserved in available vertebrate species. In addition, this alteration is predicted to be deleterious by in silico analysis. Since supporting evidence is limited at this time, the clinical significance of this alteration remains unclear.

Color Diagnostics, LLC DBA Color Health
Classification: Uncertain significance for Hereditary cancer-predisposing syndrome. Last evaluated: 2019-04-09. Review status: criteria provided, single submitter. Criteria: ACMG Guidelines, 2015. Collection method: clinical testing. Allele origin: germline.